The following is an entry in ClinVar:

ClinVar aggregate classification (germline): Uncertain significance (1 of 4 stars; one submission).

Conditions:
Charcot-Marie-Tooth disease axonal type 2C (HMSN2C). Also called: CHARCOT-MARIE-TOOTH DISEASE, AXONAL, AUTOSOMAL DOMINANT, TYPE 2C; Charcot-Marie-Tooth Neuropathy Type 2C; Charcot-Marie-Tooth Disease Type 2, TRPV4-Related (CMT2C). Identifiers: Orphanet 99937, MedGen C1853710, MONDO:0011633, OMIM 606071.

Submission:

Labcorp Genetics (formerly Invitae), Labcorp
Classification: Uncertain significance for Charcot-Marie-Tooth disease axonal type 2C. Last evaluated: 2023-11-17. Review status: criteria provided, single submitter. Criteria: Invitae Variant Classification Sherloc (09022015). Collection method: clinical testing. Allele origin: germline.
Comment: This sequence change replaces tryptophan, which is neutral and slightly polar, with serine, which is neutral and polar, at codon 785 of the TRPV4 protein (p.Trp785Ser). This variant is not present in population databases (gnomAD no frequency). This variant has not been reported in the literature in individuals affected with TRPV4-related conditions. Advanced modeling of protein sequence and biophysical properties (such as structural, functional, and spatial information, amino acid conservation, physicochemical variation, residue mobility, and thermodynamic stability) has been performed at Invitae for this missense variant, however the output from this modeling did not meet the statistical confidence thresholds required to predict the impact of this variant on TRPV4 protein function. In summary, the available evidence is currently insufficient to determine the role of this variant in disease. Therefore, it has been classified as a Variant of Uncertain Significance.

NM_021625.5(TRPV4):c.2354G>C (p.Trp785Ser)

Gene: TRPV4 (transient receptor potential cation channel subfamily V member 4; minus strand). Cytogenetic location: 12q24.11.
Variant type: single nucleotide variant.
Coding change: c.2354G>C on transcript NM_021625.5 (MANE Select); coding-DNA position 2354, G replaced by C.
Protein change: p.Trp785Ser; replaces tryptophan 785 with serine.
Molecular consequence: missense variant.
Genome position (GRCh38, 1-based): chr12:109,784,420, C>G on the plus strand (G>C on the coding strand, the complement: TRPV4 is on the minus strand). VCF-style: chr12-109784420-C-G. GRCh37 (hg19) VCF-style: chr12-110222225-C-G.
Other names: c.2213G>C, p.Trp738Ser (NM_001177428.2); c.2252G>C, p.Trp751Ser (NM_001177431.2); c.2033G>C, p.Trp678Ser (NM_001177433.2); c.2174G>C, p.Trp725Ser (NM_147204.3); short protein forms W725S, W738S, W678S, W751S, W785S.
Identifiers: ClinVar variation 2806484 (VCV002806484.3), dbSNP rs2548708890, ClinGen allele CA386648914.